The following is an entry in ClinVar:

NM_014251.3(SLC25A13):c.1178-1G>C

Gene: SLC25A13 (solute carrier family 25 member 13; minus strand). Cytogenetic location: 7q21.3.
Variant type: single nucleotide variant.
Coding change: c.1178-1G>C on transcript NM_014251.3 (MANE Select); the canonical splice acceptor site of the intron before coding-DNA position 1178, G replaced by C.
Molecular consequence: splice acceptor variant.
Genome position (GRCh38, 1-based): chr7:96,171,525, C>G on the plus strand (G>C on the coding strand, the complement: SLC25A13 is on the minus strand). VCF-style: chr7-96171525-C-G. GRCh37 (hg19) VCF-style: chr7-95800837-C-G.
Other names: c.1178-1G>C (NM_014251.2); c.1181-1G>C (NM_001160210.2).
Identifiers: ClinVar variation 3018592 (VCV003018592.5), dbSNP rs1794001446, ClinGen allele CA368259163.

ClinVar aggregate classification (germline): Likely pathogenic. Review status: criteria provided, multiple submitters, no conflicts (2 of 4 stars). 3 submissions from 3 submitters: Likely pathogenic (3). Last evaluated 2026-01-18.

Conditions:
Citrin deficiency. Identifiers: Orphanet 247582, MedGen C1997910, MONDO:0016602.
Neonatal intrahepatic cholestasis due to citrin deficiency (CDNI). Also called: Neonatal-onset citrullinemia type II; Neonatal-onset citrullinemia type 2; Neonatal Intrahepatic Cholestasis Caused by Citrin Deficiency (NICCD); CITRIN DEFICIENCY, NEONATAL OR INFANTILE ONSET. Identifiers: Orphanet 247598, MedGen C1853942, MONDO:0011601, OMIM 605814.
Citrullinemia, type II, adult-onset (CDAA). Also called: CITRIN DEFICIENCY, ADOLESCENT OR ADULT ONSET. Identifiers: Orphanet 247585, MedGen CN295299, MONDO:0011326, OMIM 603471.
Citrullinemia. Identifiers: Orphanet 187, MedGen C0175683, MONDO:0015991.

Allele frequency attached by ClinVar (database versions not stated): TOPMed below 0.00001.

Submissions (3):

Labcorp Genetics (formerly Invitae), Labcorp
Classification: Likely pathogenic for Citrin deficiency. Last evaluated: 2026-01-18. Review status: criteria provided, single submitter. Criteria: Invitae Variant Classification Sherloc (09022015). Collection method: clinical testing. Allele origin: germline.
Comment: This sequence change affects an acceptor splice site in intron 11 of the SLC25A13 gene. It is expected to disrupt RNA splicing. Variants that disrupt the donor or acceptor splice site typically lead to a loss of protein function (PMID: 16199547), and loss-of-function variants in SLC25A13 are known to be pathogenic (PMID: 10369257, 14680984, 27405544). This variant is not present in population databases (gnomAD no frequency). This variant has not been reported in the literature in individuals affected with SLC25A13-related conditions. ClinVar contains an entry for this variant (Variation ID: 3018592). Algorithms developed to predict the effect of sequence changes on RNA splicing suggest that this variant may disrupt the consensus splice site. In summary, the currently available evidence indicates that the variant is pathogenic, but additional data are needed to prove that conclusively. Therefore, this variant has been classified as Likely Pathogenic.

Natera, Inc.
Classification: Likely pathogenic for Citrullinemia. Last evaluated: 2024-05-03. Review status: criteria provided, single submitter. Criteria: Natera Variant Classification Schema (03/2026). Collection method: clinical testing. Allele origin: germline.
Comment: The c.1178-1G>C variant in SLC25A13 is a canonical splice acceptor site variant predicted to affect pre-mRNA splicing, which may result in an abnormal transcript and altered protein product. This variant is expected to result in nonsense mediated decay, truncation, or a dysfunctional protein product. This variant is rare in the general population with a frequency below the threshold expected for the associated phenotype(s). Given the available evidence, this variant is classified as Likely Pathogenic.

Fulgent Genetics
Classification: Likely pathogenic for Citrullinemia, type II, adult-onset; Neonatal intrahepatic cholestasis due to citrin deficiency. Last evaluated: 2024-01-12. Review status: criteria provided, single submitter. Criteria: ACMG Guidelines, 2015. Collection method: clinical testing. Allele origin: germline.

Literature cited by the submitters: PubMed 16199547 (cited by Labcorp Genetics (formerly Invitae), Labcorp); PubMed 10369257 (cited by Labcorp Genetics (formerly Invitae), Labcorp); PubMed 14680984 (cited by Labcorp Genetics (formerly Invitae), Labcorp); PubMed 27405544 (cited by Labcorp Genetics (formerly Invitae), Labcorp).